The following is an entry in ClinVar:

ClinVar aggregate classification (germline): Uncertain significance (1 of 4 stars; one submission).

Submission:

Laboratory for Molecular Medicine, Mass General Brigham Personalized Medicine
Classification: Uncertain significance. Last evaluated: 2014-03-24. Review status: criteria provided, single submitter. Criteria: LMM Criteria. Collection method: clinical testing. Allele origin: germline. Observed: 1 variant allele.
Comment: The Asn20183His variant in TTN has not been previously reported in individuals w ith cardiomyopathy or in large population studies. Computational prediction tool s and conservation analysis suggest that this variant may not impact the protein , though this information is not predictive enough to rule out pathogenicity. Ad ditional information is needed to fully assess the clinical significance of this variant.

NM_001267550.2(TTN):c.68251A>C (p.Asn22751His)

Genes: TTN (titin; minus strand), TTN-AS1 (TTN antisense RNA 1; plus strand), LOC126806423 (CDK7 strongly-dependent group 2 enhancer GRCh37_chr2:179443309-179444508; plus strand). Cytogenetic location: 2q31.2.
Variant type: single nucleotide variant.
Coding change: c.68251A>C on transcript NM_001267550.2 (MANE Select); coding-DNA position 68251, A replaced by C.
Protein change: p.Asn22751His; replaces asparagine 22751 with histidine.
Molecular consequence: missense variant.
Genome position (GRCh38, 1-based): chr2:178,578,689, T>G on the plus strand (A>C on the coding strand, the complement: TTN is on the minus strand). VCF-style: chr2-178578689-T-G. GRCh37 (hg19) VCF-style: chr2-179443416-T-G.
Other names: c.60547A>C, p.Asn20183His (NM_133378.4); c.63328A>C, p.Asn21110His (NM_001256850.1); c.41056A>C, p.Asn13686His (NM_003319.4); c.41431A>C, p.Asn13811His (NM_133432.3); c.41632A>C, p.Asn13878His (NM_133437.4); short protein forms N20183H, N22751H, N13686H, N13878H, N13811H, N21110H.
Identifiers: ClinVar variation 179588 (VCV000179588.5), dbSNP rs727504970, ClinGen allele CA184725.
Genomic context (GRCh38, chr2:178,578,689, plus strand): 5'-CAGTTTTCTTGGGGTCAGTCCAAGTTAGAGATACTGAATCGTGTCTGACATCCACAATAT[T>G]GGGAGGTGGGGGAGCATCAGGCACATCTAGAAAAAAGTAGATAATGCAAGATTTATAATA-3'
Protein context (NP_001254479.2, residues 22741-22761): FDVPDAPPPP[Asn22751His]IVDVRHDSVS